The following is an entry in ClinVar:

ClinVar aggregate classification (germline): Uncertain significance. Review status: criteria provided, multiple submitters, no conflicts (2 of 4 stars). 3 submissions from 3 submitters: Uncertain significance (3). Last evaluated 2024-09-18.

Conditions:
Neurofibromatosis, type 1 (NF1). Also called: VON RECKLINGHAUSEN DISEASE; NEUROFIBROMATOSIS, TYPE I, SOMATIC; Peripheral type neurofibromatosis; Neurofibromatosis, type I. Identifiers: Orphanet 636, MedGen C0027831, MONDO:0018975, OMIM 162200. Disease mechanism: loss of function.
Cardiovascular phenotype. Identifiers: MedGen CN230736.
Hereditary cancer-predisposing syndrome. Also called: Hereditary neoplastic syndrome; Hereditary Cancer Syndrome; Tumor predisposition; Neoplastic Syndromes, Hereditary. Identifiers: Orphanet 140162, MedGen C0027672, MeSH D009386, MONDO:0015356.

Allele frequency attached by ClinVar (database versions not stated): ExAC 0.00001.

Submissions (3):

Blueprint Genetics
Classification: Uncertain significance. Last evaluated: 2024-09-18. Review status: criteria provided, single submitter. Criteria: ACMG Guidelines, 2015. Collection method: clinical testing. Allele origin: germline.

Labcorp Genetics (formerly Invitae), Labcorp
Classification: Uncertain significance for Neurofibromatosis, type 1. Last evaluated: 2024-04-06. Review status: criteria provided, single submitter. Criteria: Invitae Variant Classification Sherloc (09022015). Collection method: clinical testing. Allele origin: germline.
Comment: This sequence change replaces methionine, which is neutral and non-polar, with isoleucine, which is neutral and non-polar, at codon 1035 of the NF1 protein (p.Met1035Ile). This variant is not present in population databases (gnomAD no frequency). This variant has not been reported in the literature in individuals affected with NF1-related conditions. ClinVar contains an entry for this variant (Variation ID: 1727685). Advanced modeling of protein sequence and biophysical properties (such as structural, functional, and spatial information, amino acid conservation, physicochemical variation, residue mobility, and thermodynamic stability) has been performed at Invitae for this missense variant, however the output from this modeling did not meet the statistical confidence thresholds required to predict the impact of this variant on NF1 protein function. In summary, the available evidence is currently insufficient to determine the role of this variant in disease. Therefore, it has been classified as a Variant of Uncertain Significance.

Ambry Genetics
Classification: Uncertain significance for Cardiovascular phenotype; Hereditary cancer-predisposing syndrome. Last evaluated: 2021-04-07. Review status: criteria provided, single submitter. Criteria: Ambry Variant Classification Scheme 2023. Collection method: clinical testing. Allele origin: germline.
Comment: The p.M1035I variant (also known as c.3105G>A), located in coding exon 23 of the NF1 gene, results from a G to A substitution at nucleotide position 3105. The methionine at codon 1035 is replaced by isoleucine, an amino acid with highly similar properties. This amino acid position is highly conserved in available vertebrate species. In addition, the in silico prediction for this alteration is inconclusive. Since supporting evidence is limited at this time, the clinical significance of this alteration remains unclear.

NM_001042492.3(NF1):c.3105G>A (p.Met1035Ile)

Gene: NF1 (neurofibromin 1; plus strand). Cytogenetic location: 17q11.2.
Variant type: single nucleotide variant.
Coding change: c.3105G>A on transcript NM_001042492.3 (MANE Select); coding-DNA position 3105, G replaced by A.
Protein change: p.Met1035Ile; replaces methionine 1035 with isoleucine.
Molecular consequence: missense variant.
Genome position (GRCh38, 1-based): chr17:31,230,374, G>A. VCF-style: chr17-31230374-G-A. GRCh37 (hg19) VCF-style: chr17-29557392-G-A.
Other names: c.3105G>A, p.Met1035Ile (NM_000267.4); short protein forms M1035I.
Identifiers: ClinVar variation 1727685 (VCV001727685.5), dbSNP rs773578096, ClinGen allele CA8486081.